The following is an entry in ClinVar:

ClinVar aggregate classification (germline): Uncertain significance (1 of 4 stars; one submission).

Submission:

GeneDx
Classification: Uncertain significance. Last evaluated: 2024-01-04. Review status: criteria provided, single submitter. Criteria: GeneDx Variant Classification Process June 2021. Collection method: clinical testing. Allele origin: germline. Affected: yes.
Comment: Not observed at significant frequency in large population cohorts (gnomAD); In silico analysis supports that this missense variant does not alter protein structure/function; Has not been previously published as pathogenic or benign to our knowledge

NM_016120.4(RLIM):c.1406C>G (p.Ser469Cys)

Gene: RLIM (ring finger protein, LIM domain interacting; minus strand). Cytogenetic location: Xq13.2.
Variant type: single nucleotide variant.
Coding change: c.1406C>G on transcript NM_016120.4 (MANE Select); coding-DNA position 1406, C replaced by G.
Protein change: p.Ser469Cys; replaces serine 469 with cysteine.
Molecular consequence: missense variant.
Genome position (GRCh38, 1-based): chrX:74,591,909, G>C on the plus strand (C>G on the coding strand, the complement: RLIM is on the minus strand). VCF-style: chrX-74591909-G-C. GRCh37 (hg19) VCF-style: chrX-73811744-G-C.
Other names: c.1406C>G, p.Ser469Cys (NM_183353.3); short protein forms S469C.
Identifiers: ClinVar variation 3367466 (VCV003367466.1).